The following is an entry in ClinVar:

ClinVar aggregate classification (germline): Likely benign. Review status: criteria provided, multiple submitters, no conflicts (2 of 4 stars). 4 submissions from 4 submitters: Likely benign (3). 1 of the submissions does not count toward it. Last evaluated 2025-10-13.

Conditions:
FANCM-related disorder. Also called: FANCM-related condition.
Fanconi anemia (FA). Also called: Fanconi's anemia. Identifiers: Orphanet 84, MedGen C0015625, MeSH D005199, MONDO:0019391.
Inborn genetic diseases. Identifiers: MedGen C0950123, MeSH D030342.

gnomAD v4.1: 8 of 1,601,032 alleles (0.0005%); highest among the groups gnomAD compares: Middle Eastern, 0.033%; 1 homozygote.

Submissions (4):

Labcorp Genetics (formerly Invitae), Labcorp
Classification: Likely benign for Fanconi anemia. Last evaluated: 2025-10-13. Review status: criteria provided, single submitter. Criteria: Invitae Variant Classification Sherloc (09022015). Collection method: clinical testing. Allele origin: germline.

Quest Diagnostics Nichols Institute San Juan Capistrano
Classification: Likely benign. Last evaluated: 2025-09-16. Review status: criteria provided, single submitter. Criteria: Quest Diagnostics criteria. Collection method: clinical testing. Allele origin: unknown.

Ambry Genetics
Classification: Likely benign for Inborn genetic diseases. Last evaluated: 2024-12-08. Review status: criteria provided, single submitter. Criteria: Ambry Variant Classification Scheme 2023. Collection method: clinical testing. Allele origin: germline.

PreventionGenetics, part of Exact Sciences
Classification: Likely benign for FANCM-related condition. Last evaluated: 2019-02-22. Review status: no assertion criteria provided. Collection method: clinical testing. Allele origin: germline. Not counted in ClinVar's aggregate classification.
Comment: This variant is classified as likely benign based on ACMG/AMP sequence variant interpretation guidelines (Richards et al. 2015 PMID: 25741868, with internal and published modifications).

NM_020937.4(FANCM):c.4308C>T (p.Asn1436=)

Gene: FANCM (FA complementation group M; plus strand). Cytogenetic location: 14q21.2.
Variant type: single nucleotide variant.
Coding change: c.4308C>T on transcript NM_020937.4 (MANE Select); coding-DNA position 4308, C replaced by T.
Protein change: p.Asn1436=; no amino-acid change (asparagine 1436 retained).
Molecular consequence: synonymous variant.
Genome position (GRCh38, 1-based): chr14:45,181,515, C>T. VCF-style: chr14-45181515-C-T. GRCh37 (hg19) VCF-style: chr14-45650718-C-T.
Other names: c.4230C>T, p.Asn1410= (NM_001308133.2); c.4308C>T (NM_020937.3).
Identifiers: ClinVar variation 2142532 (VCV002142532.8), dbSNP rs1388054348, ClinGen allele CA486140873.